The following is an entry in ClinVar:

NM_018671.5(UNC45A):c.223G>C (p.Asp75His)

Gene: UNC45A (unc-45 myosin chaperone A; plus strand). Cytogenetic location: 15q26.1.
Variant type: single nucleotide variant.
Coding change: c.223G>C on transcript NM_018671.5 (MANE Select); coding-DNA position 223, G replaced by C.
Protein change: p.Asp75His; replaces aspartic acid 75 with histidine.
Molecular consequence: missense variant. On other transcripts: 5 prime UTR variant (1).
Genome position (GRCh38, 1-based): chr15:90,935,955, G>C. VCF-style: chr15-90935955-G-C. GRCh37 (hg19) VCF-style: chr15-91479185-G-C.
Other names: c.178G>C, p.Asp60His (NM_001039675.2, NM_001323621.2); c.223G>C, p.Asp75His (NM_001323619.1); c.-361G>C (NM_001323620.2); short protein forms D60H, D75H.
Identifiers: ClinVar variation 1384585 (VCV001384585.5), dbSNP rs201273337, ClinGen allele CA7742473.
Genomic context (GRCh38, chr15:90,935,955, plus strand): 5'-GCCCCGAGAGGGAGATGACCATTCCTTCAGGCTCCTGTCTTTCTCTTACAGGAAGATTAC[G>C]ACAAAGCAGAAACAGAGGCATCCAAAGGTAGGGGAATGGTGGGCCCTGGTGTGGAGCTGT-3'
Protein context (NP_061141.2, residues 65-85): AACHLKLEDY[Asp75His]KAETEASKAI

ClinVar aggregate classification (germline): Uncertain significance (1 of 4 stars; one submission).

Allele frequency attached by ClinVar (database versions not stated): gnomAD 0.00002; gnomAD exomes 0.00004.
gnomAD v4.1: 51 of 1,613,978 alleles (0.0032%); highest among the groups gnomAD compares: Non-Finnish European, 0.0042%; no homozygotes.

Submission:

Labcorp Genetics (formerly Invitae), Labcorp
Classification: Uncertain significance. Last evaluated: 2022-09-12. Review status: criteria provided, single submitter. Criteria: Invitae Variant Classification Sherloc (09022015). Collection method: clinical testing. Allele origin: germline.
Comment: This sequence change replaces aspartic acid, which is acidic and polar, with histidine, which is basic and polar, at codon 75 of the UNC45A protein (p.Asp75His). This variant is present in population databases (rs201273337, gnomAD 0.009%). This variant has not been reported in the literature in individuals affected with UNC45A-related conditions. ClinVar contains an entry for this variant (Variation ID: 1384585). Advanced modeling of protein sequence and biophysical properties (such as structural, functional, and spatial information, amino acid conservation, physicochemical variation, residue mobility, and thermodynamic stability) performed at Invitae indicates that this missense variant is not expected to disrupt UNC45A protein function. In summary, the available evidence is currently insufficient to determine the role of this variant in disease. Therefore, it has been classified as a Variant of Uncertain Significance.